The following is an entry in ClinVar:

NM_000059.4(BRCA2):c.8290dup (p.Ala2764fs)

Gene: BRCA2 (BRCA2 DNA repair associated; plus strand). Cytogenetic location: 13q13.1.
Variant type: Duplication.
Coding change: c.8290dup on transcript NM_000059.4 (MANE Select); coding-DNA position 8290, one base duplicated (G; older notation c.8290dupG).
Protein change: p.Ala2764fs; shifts the reading frame from alanine 2764.
Molecular consequence: frameshift variant.
Genome position (GRCh38, 1-based): chr13:32,363,492, G duplicated. VCF-style (leftmost placement, unchanged base first): chr13-32363491-T-TG. GRCh37 (hg19) VCF-style: chr13-32937628-T-TG.
Other names: 8518_8519insG; short protein forms A2764fs.
Identifiers: ClinVar variation 267065 (VCV000267065.5), dbSNP rs886040755, ClinGen allele CA10589478.
Genomic context (GRCh38, chr13:32,363,491, plus strand): 5'-CAGACTGACAGTTGGTCAGAAGATTATTCTTCATGGAGCAGAACTGGTGGGCTCTCCTGA[T>TG]GCCTGTACACCTCTTGAAGCCCCAGAATCTCTTATGTTAAAGGTAAATTAATTTGCACTC-3'

ClinVar aggregate classification (germline): Pathogenic. Review status: reviewed by expert panel (3 of 4 stars). 2 submissions from 2 submitters: Pathogenic (1). 1 of the submissions does not count toward it. Last evaluated 2016-10-18.

Conditions:
Breast-ovarian cancer, familial, susceptibility to, 2 (BROVCA2). Also called: BRCA2 Hereditary Breast and Ovarian Cancer. Identifiers: Orphanet 145, MedGen C2675520, MONDO:0012933, OMIM 612555. Disease mechanism: loss of function.

Submissions (2):

Evidence-based Network for the Interpretation of Germline Mutant Alleles (ENIGMA)
Classification: Pathogenic for Breast-ovarian cancer, familial, susceptibility to, 2. Last evaluated: 2016-10-18. Review status: reviewed by expert panel. Criteria: ENIGMA BRCA1/2 Classification Criteria (2015). Collection method: curation. Allele origin: germline.
Comment: Variant allele predicted to encode a truncated non-functional protein.

Consortium of Investigators of Modifiers of BRCA1/2 (CIMBA), c/o University of Cambridge
Classification: Pathogenic for Breast-ovarian cancer, familial, susceptibility to, 2. Last evaluated: 2015-10-02. Review status: criteria provided, single submitter. Criteria: CIMBA Mutation Classification guidelines May 2016. Collection method: clinical testing. Allele origin: germline. Not counted in ClinVar's aggregate classification.